The following is an entry in ClinVar:

ClinVar aggregate classification (germline): Uncertain significance. Review status: criteria provided, multiple submitters, no conflicts (2 of 4 stars). 2 submissions from 2 submitters: Uncertain significance (2). Last evaluated 2023-04-25.

Conditions:
Paroxysmal nonkinesigenic dyskinesia. Also called: Paroxysmal non-kinesigenic dyskinesia. Identifiers: Orphanet 98810, MedGen C1869117, MONDO:0700088.
Inborn genetic diseases. Identifiers: MedGen C0950123, MeSH D030342.

Allele frequency attached by ClinVar (database versions not stated): gnomAD exomes below 0.00001.
gnomAD v4.1: 1 of 1,613,568 alleles (0.000062%); no homozygotes.

Submissions (2):

Ambry Genetics
Classification: Uncertain significance for Inborn genetic diseases. Last evaluated: 2023-04-25. Review status: criteria provided, single submitter. Criteria: Ambry Variant Classification Scheme 2023. Collection method: clinical testing. Allele origin: germline.

Labcorp Genetics (formerly Invitae), Labcorp
Classification: Uncertain significance for Paroxysmal nonkinesigenic dyskinesia. Last evaluated: 2023-02-28. Review status: criteria provided, single submitter. Criteria: Invitae Variant Classification Sherloc (09022015). Collection method: clinical testing. Allele origin: germline.
Comment: This sequence change replaces glycine, which is neutral and non-polar, with arginine, which is basic and polar, at codon 240 of the PNKD protein (p.Gly240Arg). In summary, the available evidence is currently insufficient to determine the role of this variant in disease. Therefore, it has been classified as a Variant of Uncertain Significance. Advanced modeling of protein sequence and biophysical properties (such as structural, functional, and spatial information, amino acid conservation, physicochemical variation, residue mobility, and thermodynamic stability) performed at Invitae indicates that this missense variant is not expected to disrupt PNKD protein function. This variant has not been reported in the literature in individuals affected with PNKD-related conditions. This variant is not present in population databases (gnomAD no frequency).

NM_015488.5(PNKD):c.718G>A (p.Gly240Arg)

Genes: CATIP-AS2 (CATIP antisense RNA 2; minus strand), PNKD (PNKD metallo-beta-lactamase domain containing; plus strand). Cytogenetic location: 2q35.
Variant type: single nucleotide variant.
Coding change: c.718G>A on transcript NM_015488.5 (MANE Select); coding-DNA position 718, G replaced by A.
Protein change: p.Gly240Arg; replaces glycine 240 with arginine.
Molecular consequence: missense variant.
Genome position (GRCh38, 1-based): chr2:218,342,081, G>A. VCF-style: chr2-218342081-G-A. GRCh37 (hg19) VCF-style: chr2-219206804-G-A.
Other names: c.646G>A, p.Gly216Arg (NM_022572.5); short protein forms G216R, G240R.
Identifiers: ClinVar variation 2540347 (VCV002540347.5), dbSNP rs2469467938, ClinGen allele CA350541242.